The following is an entry in ClinVar:

NM_153252.5(BRWD3):c.3780A>C (p.Glu1260Asp)

Gene: BRWD3 (bromodomain and WD repeat domain containing 3; minus strand). Cytogenetic location: Xq21.1.
Variant type: single nucleotide variant.
Coding change: c.3780A>C on transcript NM_153252.5 (MANE Select); coding-DNA position 3780, A replaced by C.
Protein change: p.Glu1260Asp; replaces glutamic acid 1260 with aspartic acid.
Molecular consequence: missense variant.
Genome position (GRCh38, 1-based): chrX:80,689,795, T>G on the plus strand (A>C on the coding strand, the complement: BRWD3 is on the minus strand). VCF-style: chrX-80689795-T-G. GRCh37 (hg19) VCF-style: chrX-79945294-T-G.
Other names: short protein forms E1260D.
Identifiers: ClinVar variation 3384877 (VCV003384877.1).

ClinVar aggregate classification (germline): Uncertain significance (1 of 4 stars; one submission).

gnomAD v4.1: 2 of 1,204,332 alleles (0.00017%); highest among the groups gnomAD compares: Admixed American, 0.0044%; no homozygotes.

Submission:

Women's Health and Genetics/Laboratory Corporation of America, LabCorp
Classification: Uncertain significance. Last evaluated: 2024-10-07. Review status: criteria provided, single submitter. Criteria: LabCorp Variant Classification Summary - May 2015. Collection method: clinical testing. Allele origin: germline.
Comment: Variant summary: BRWD3 c.3780A>C (p.Glu1260Asp) results in a conservative amino acid change in the encoded protein sequence. Four of five in-silico tools predict a benign effect of the variant on protein function. The variant was absent in 179970 control chromosomes. The available data on variant occurrences in the general population are insufficient to allow any conclusion about variant significance. To our knowledge, no occurrence of c.3780A>C in individuals affected with Intellectual Disability, X-Linked 93 and no experimental evidence demonstrating its impact on protein function have been reported. No submitters have cited clinical-significance assessments for this variant to ClinVar. Based on the evidence outlined above, the variant was classified as uncertain significance.